The following is an entry in ClinVar:

ClinVar aggregate classification (germline): Uncertain significance (1 of 4 stars; one submission).

Conditions:
Epidermolysis bullosa simplex with nail dystrophy (EBS5D). Identifiers: MedGen C4225309, MONDO:0014661, OMIM 616487.
Epidermolysis bullosa simplex, Ogna type (EBS5A). Also called: Pidermolysis bullosa simplex 5A, Ogna type; EPIDERMOLYSIS BULLOSA SIMPLEX 5A, OGNA TYPE. Identifiers: Orphanet 79401, MedGen C0432317, MONDO:0007555, OMIM 131950.
Autosomal recessive limb-girdle muscular dystrophy type 2Q (LGMDR17). Also called: MUSCULAR DYSTROPHY, LIMB-GIRDLE, AUTOSOMAL RECESSIVE 17. Identifiers: Orphanet 254361, MedGen C3150989, MONDO:0013390, OMIM 613723.
Epidermolysis bullosa simplex 5B, with muscular dystrophy (EBS5B). Also called: EPIDERMOLYSIS BULLOSA SIMPLEX AND LIMB-GIRDLE MUSCULAR DYSTROPHY; Epidermolysis bullosa simplex with muscular dystrophy. Identifiers: Orphanet 257, MedGen C2931072, MONDO:0009181, OMIM 226670.
Epidermolysis bullosa simplex 5C, with pyloric atresia (EBS5C). Also called: PLEC-Related Epidermolysis Bullosa with Pyloric Atresia; Epidermolysis bullosa simplex with pyloric atresia; PLEC1-Related Epidermolysis Bullosa with Pyloric Atresia. Identifiers: Orphanet 158684, MedGen C2677349, MONDO:0012807, OMIM 612138.

Allele frequency attached by ClinVar (database versions not stated): gnomAD exomes below 0.00001.
gnomAD v4.1: 2 of 1,595,654 alleles (0.00013%); highest among the groups gnomAD compares: Non-Finnish European, 0.00017%; no homozygotes.

Submission:

Labcorp Genetics (formerly Invitae), Labcorp
Classification: Uncertain significance for Autosomal recessive limb-girdle muscular dystrophy type 2Q; Epidermolysis bullosa simplex, Ogna type; Epidermolysis bullosa simplex with nail dystrophy; Epidermolysis bullosa simplex 5C, with pyloric atresia; Epidermolysis bullosa simplex 5B, with muscular dystrophy. Last evaluated: 2023-10-14. Review status: criteria provided, single submitter. Criteria: Invitae Variant Classification Sherloc (09022015). Collection method: clinical testing. Allele origin: germline.
Comment: This sequence change replaces glutamic acid, which is acidic and polar, with aspartic acid, which is acidic and polar, at codon 1990 of the PLEC protein (p.Glu1990Asp). This variant is not present in population databases (gnomAD no frequency). This variant has not been reported in the literature in individuals affected with PLEC-related conditions. Experimental studies and prediction algorithms are not available or were not evaluated, and the functional significance of this variant is currently unknown. In summary, the available evidence is currently insufficient to determine the role of this variant in disease. Therefore, it has been classified as a Variant of Uncertain Significance.

NM_201384.3(PLEC):c.5889G>T (p.Glu1963Asp)

Gene: PLEC (plectin; minus strand). Cytogenetic location: 8q24.3.
Variant type: single nucleotide variant.
Coding change: c.5889G>T on transcript NM_201384.3 (MANE Select); coding-DNA position 5889, G replaced by T.
Protein change: p.Glu1963Asp; replaces glutamic acid 1963 with aspartic acid.
Molecular consequence: missense variant. On other transcripts: intron variant (1).
Genome position (GRCh38, 1-based): chr8:143,924,040, C>A on the plus strand (G>T on the coding strand, the complement: PLEC is on the minus strand). VCF-style: chr8-143924040-C-A. GRCh37 (hg19) VCF-style: chr8-144998208-C-A.
Other names: c.5970G>T, p.Glu1990Asp (NM_000445.5); c.5847G>T, p.Glu1949Asp (NM_201378.4); c.5823G>T, p.Glu1941Asp (NM_201379.3); c.6300G>T, p.Glu2100Asp (NM_201380.4); c.5793G>T, p.Glu1931Asp (NM_201381.3); c.5889G>T, p.Glu1963Asp (NM_201382.4); c.5901G>T, p.Glu1967Asp (NM_201383.3); c.4126-1645G>T (NM_001410941.1); short protein forms E1941D, E1967D, E1990D, E1931D, E1949D, E1963D, E2100D.
Identifiers: ClinVar variation 2948109 (VCV002948109.3), dbSNP rs1554695410, ClinGen allele CA372541003.
Genomic context (GRCh38, chr8:143,924,040, plus strand): 5'-GCGCCGCCGCTCCTCCTCCGCCGCCAGCTGCCGCTGCCTCGCAGCCTCCAGCTCGGCCTG[C>A]TCCTTGCTGCGCAGCGTGTCCTCCGCGTTGCTGCGGATGCGTCCCAGCTCCAGCTCCAGC-3'
Protein context (NP_958786.1, residues 1953-1973): SNAEDTLRSK[Glu1963Asp]QAELEAARQR